The following is an entry in ClinVar:

ClinVar aggregate classification (germline): Uncertain significance (1 of 4 stars; one submission).

Conditions:
Developmental and epileptic encephalopathy, 31A. Also called: Epileptic encephalopathy, early infantile, 31; Developmental and epileptic encephalopathy, 31. Identifiers: Orphanet 2382, MedGen C4225357, MONDO:0014598, OMIM 616346.

Allele frequency attached by ClinVar (database versions not stated): gnomAD exomes 0.00003.
gnomAD v4.1: 36 of 1,361,188 alleles (0.0026%); highest among the groups gnomAD compares: Non-Finnish European, 0.0034%; no homozygotes.

Submission:

Labcorp Genetics (formerly Invitae), Labcorp
Classification: Uncertain significance for Developmental and epileptic encephalopathy, 31A. Last evaluated: 2024-08-13. Review status: criteria provided, single submitter. Criteria: Invitae Variant Classification Sherloc (09022015). Collection method: clinical testing. Allele origin: germline.
Comment: This sequence change replaces proline, which is neutral and non-polar, with leucine, which is neutral and non-polar, at codon 828 of the DNM1 protein (p.Pro828Leu). This variant is not present in population databases (gnomAD no frequency). This variant has not been reported in the literature in individuals affected with DNM1-related conditions. ClinVar contains an entry for this variant (Variation ID: 859075). Advanced modeling of protein sequence and biophysical properties (such as structural, functional, and spatial information, amino acid conservation, physicochemical variation, residue mobility, and thermodynamic stability) has been performed at Invitae for this missense variant, however the output from this modeling did not meet the statistical confidence thresholds required to predict the impact of this variant on DNM1 protein function. In summary, the available evidence is currently insufficient to determine the role of this variant in disease. Therefore, it has been classified as a Variant of Uncertain Significance.

NM_004408.4(DNM1):c.2483C>T (p.Pro828Leu)

Genes: DNM1 (dynamin 1; plus strand), LOC130002699 (ATAC-STARR-seq lymphoblastoid silent region 20333; plus strand). Cytogenetic location: 9q34.11.
Variant type: single nucleotide variant.
Coding change: c.2483C>T on transcript NM_004408.4 (MANE Select); coding-DNA position 2483, C replaced by T.
Protein change: p.Pro828Leu; replaces proline 828 with leucine.
Molecular consequence: missense variant.
Genome position (GRCh38, 1-based): chr9:128,250,889, C>T. VCF-style: chr9-128250889-C-T. GRCh37 (hg19) VCF-style: chr9-131013168-C-T.
Other names: c.2483C>T, p.Pro828Leu (NM_001005336.3, NM_001288737.2, NM_001288738.2 and 2 more transcripts); short protein forms P828L.
Identifiers: ClinVar variation 859075 (VCV000859075.10), dbSNP rs901408697, ClinGen allele CA200323410.
Genomic context (GRCh38, chr9:128,250,889, plus strand): 5'-CCCTGGGGGGGGCGCCCCCCGTGCCCTCCAGGCCGGGGGCTTCCCCTGACCCTTTCGGCC[C>T]TCCCCCTCAGGTGCCCTCGCGCCCCAACCGCGCCCCGCCCGGGGTCCCCAGGTGAGTAGG-3'
Protein context (NP_004399.2, residues 818-838): RPGASPDPFG[Pro828Leu]PPQVPSRPNR